The following is an entry in ClinVar:

ClinVar aggregate classification (germline): Benign/Likely benign. Review status: criteria provided, multiple submitters, no conflicts (2 of 4 stars). 3 submissions from 3 submitters: Benign (1); Likely benign (2). Last evaluated 2025-07-28.

Conditions:
Hereditary pancreatitis (PCTT). Also called: Hereditary chronic pancreatitis; PRSS1-Related Hereditary Pancreatitis. Identifiers: Orphanet 676, MedGen C0238339, MONDO:0008185, OMIM 167800.

Allele frequency attached by ClinVar (database versions not stated): gnomAD exomes 0.00002; ExAC 0.00021; 1000 Genomes Project 30x 0.11633.

Submissions (3):

Women's Health and Genetics/Laboratory Corporation of America, LabCorp
Classification: Likely benign. Last evaluated: 2025-07-28. Review status: criteria provided, single submitter. Criteria: LabCorp Variant Classification Summary - May 2015. Collection method: clinical testing. Allele origin: germline.
Comment: Variant summary: PRSS1 c.292C>A (p.Gln98Lys) results in a conservative amino acid change in the encoded protein sequence. Algorithms developed to predict the effect of missense changes on protein structure and function all suggest that this variant is likely to be tolerated. The variant allele was found at a frequency of 0.0085 in 1086620 control chromosomes (gnomAD database v4). The observed variant frequency is approximately 30 fold of the estimated maximal expected allele frequency for a pathogenic variant in PRSS1 causing Chronic Pancreatitis Risk phenotype (0.00025). To our knowledge, no occurrence of c.292C>A in individuals affected with Chronic Pancreatitis Risk and no experimental evidence demonstrating its impact on protein function have been reported. ClinVar contains an entry for this variant (Variation ID: 1686194). Based on the evidence outlined above, the variant was classified as likely benign.

Ambry Genetics
Classification: Likely benign for Hereditary pancreatitis. Last evaluated: 2022-07-29. Review status: criteria provided, single submitter. Criteria: Ambry Variant Classification Scheme 2023. Collection method: clinical testing. Allele origin: germline.

Mendelics
Classification: Benign. Last evaluated: 2022-05-04. Review status: criteria provided, single submitter. Criteria: Mendelics Assertion Criteria 2019. Collection method: clinical testing. Allele origin: germline.

NM_002769.5(PRSS1):c.292C>A (p.Gln98Lys)

Genes: TRB (T cell receptor beta locus; plus strand), PRSS1 (serine protease 1; plus strand). Cytogenetic location: 7q34.
Variant type: single nucleotide variant.
Coding change: c.292C>A on transcript NM_002769.5 (MANE Select); coding-DNA position 292, C replaced by A.
Protein change: p.Gln98Lys; replaces glutamine 98 with lysine.
Molecular consequence: missense variant.
Genome position (GRCh38, 1-based): chr7:142,751,865, C>A. VCF-style: chr7-142751865-C-A. GRCh37 (hg19) VCF-style: chr7-142459716-C-A.
Other names: short protein forms Q98K.
Identifiers: ClinVar variation 1686194 (VCV001686194.4), dbSNP rs750348889, ClinGen allele CA4529912.
Genomic context (GRCh38, chr7:142,751,865, plus strand): 5'-ATCGAAGTCCTGGAGGGGAATGAGCAGTTCATCAATGCAGCCAAGATCATCCGCCACCCC[C>A]AATACGACAGGAAGACTCTGAACAATGACATCATGTTAATCAAGCTCTCCTCACGTGCAG-3'
Protein context (NP_002760.1, residues 88-108): INAAKIIRHP[Gln98Lys]YDRKTLNNDI